The following is an entry in ClinVar:

NM_012280.4(FTSJ1):c.632A>G (p.Lys211Arg)

Gene: FTSJ1 (FtsJ RNA 2'-O-methyltransferase 1; plus strand). Cytogenetic location: Xp11.23.
Variant type: single nucleotide variant.
Coding change: c.632A>G on transcript NM_012280.4 (MANE Select); coding-DNA position 632, A replaced by G.
Protein change: p.Lys211Arg; replaces lysine 211 with arginine.
Molecular consequence: missense variant.
Genome position (GRCh38, 1-based): chrX:48,481,692, A>G. VCF-style: chrX-48481692-A-G. GRCh37 (hg19) VCF-style: chrX-48340080-A-G.
Other names: c.221A>G, p.Lys74Arg (NM_001282157.2); c.632A>G, p.Lys211Arg (NM_177439.3); short protein forms K211R, K74R.
Identifiers: ClinVar variation 3369158 (VCV003369158.1).

ClinVar aggregate classification (germline): Uncertain significance (1 of 4 stars; one submission).

gnomAD v4.1: 1 of 1,184,173 alleles (0.000084%); highest among the groups gnomAD compares: Non-Finnish European, 0.00011%; no homozygotes.

Submission:

GeneDx
Classification: Uncertain significance. Last evaluated: 2024-02-12. Review status: criteria provided, single submitter. Criteria: GeneDx Variant Classification Process June 2021. Collection method: clinical testing. Allele origin: germline. Affected: yes.
Comment: Not observed at significant frequency in large population cohorts (gnomAD); In silico analysis supports that this missense variant does not alter protein structure/function; Has not been previously published as pathogenic or benign to our knowledge